The following is an entry in ClinVar:

ClinVar aggregate classification (germline): Uncertain significance (1 of 4 stars; one submission).

Submission:

Labcorp Genetics (formerly Invitae), Labcorp
Classification: Uncertain significance. Last evaluated: 2022-03-11. Review status: criteria provided, single submitter. Criteria: Invitae Variant Classification Sherloc (09022015). Collection method: clinical testing. Allele origin: germline.
Comment: In summary, the available evidence is currently insufficient to determine the role of this variant in disease. Therefore, it has been classified as a Variant of Uncertain Significance. Algorithms developed to predict the effect of missense changes on protein structure and function (SIFT, PolyPhen-2, Align-GVGD) all suggest that this variant is likely to be tolerated. This variant has not been reported in the literature in individuals affected with ATP8A2-related conditions. This variant is not present in population databases (gnomAD no frequency). This sequence change replaces valine, which is neutral and non-polar, with isoleucine, which is neutral and non-polar, at codon 511 of the ATP8A2 protein (p.Val511Ile).

NM_016529.6(ATP8A2):c.1531G>A (p.Val511Ile)

Gene: ATP8A2 (ATPase phospholipid transporting 8A2). Cytogenetic location: 13q12.13.
Variant type: single nucleotide variant.
Coding change: c.1531G>A on transcript NM_016529.6 (MANE Select); coding-DNA position 1531, G replaced by A.
Protein change: p.Val511Ile; replaces valine 511 with isoleucine.
Molecular consequence: missense variant.
Genome position (GRCh38, 1-based): chr13:25,570,824, G>A. VCF-style: chr13-25570824-G-A. GRCh37 (hg19) VCF-style: chr13-26144962-G-A.
Other names: c.1411G>A, p.Val471Ile (NM_001313741.1); c.1531G>A, p.Val511Ile (NM_001411005.1, NM_001411006.1); short protein forms V511I, V471I.
Identifiers: ClinVar variation 2109432 (VCV002109432.4), dbSNP rs2542424159, ClinGen allele CA387614113.